The following is an entry in ClinVar:

ClinVar aggregate classification (germline): Uncertain significance (1 of 4 stars; one submission).

Conditions:
Baller-Gerold syndrome (BGS). Also called: CRANIOSYNOSTOSIS WITH RADIAL DEFECTS. Identifiers: Orphanet 1225, MedGen C0265308, MONDO:0009039, OMIM 218600.

Allele frequency attached by ClinVar (database versions not stated): ExAC 0.00003; gnomAD exomes 0.00003; TOPMed 0.00003; gnomAD 0.00006.

Submission:

Labcorp Genetics (formerly Invitae), Labcorp
Classification: Uncertain significance for Baller-Gerold syndrome. Last evaluated: 2025-12-24. Review status: criteria provided, single submitter. Criteria: Invitae Variant Classification Sherloc (09022015). Collection method: clinical testing. Allele origin: germline.
Comment: This sequence change replaces glycine, which is neutral and non-polar, with arginine, which is basic and polar, at codon 1168 of the RECQL4 protein (p.Gly1168Arg). This variant also falls at the last nucleotide of exon 20, which is part of the consensus splice site for this exon. This variant is present in population databases (rs781543298, gnomAD 0.01%). This variant has not been reported in the literature in individuals affected with RECQL4-related conditions. ClinVar contains an entry for this variant (Variation ID: 459485). Experimental studies and prediction algorithms are not available or were not evaluated, and the functional significance of this variant is currently unknown. Variants that disrupt the consensus splice site are a relatively common cause of aberrant splicing (PMID: 17576681, 9536098). Algorithms developed to predict the effect of sequence changes on RNA splicing suggest that this variant may disrupt the consensus splice site. In summary, the available evidence is currently insufficient to determine the role of this variant in disease. Therefore, it has been classified as a Variant of Uncertain Significance.

Literature cited by the submitters: PubMed 17576681; PubMed 9536098.

NM_004260.4(RECQL4):c.3502G>A (p.Gly1168Arg)

Gene: RECQL4 (RecQ like helicase 4; minus strand). Cytogenetic location: 8q24.3.
Variant type: single nucleotide variant.
Coding change: c.3502G>A on transcript NM_004260.4 (MANE Select); coding-DNA position 3502, G replaced by A.
Protein change: p.Gly1168Arg; replaces glycine 1168 with arginine.
Molecular consequence: missense variant.
Genome position (GRCh38, 1-based): chr8:144,511,681, C>T on the plus strand (G>A on the coding strand, the complement: RECQL4 is on the minus strand). VCF-style: chr8-144511681-C-T. GRCh37 (hg19) VCF-style: chr8-145737064-C-T.
Other names: short protein forms G1168R.
Identifiers: ClinVar variation 459485 (VCV000459485.9), dbSNP rs781543298, ClinGen allele CA4947712.